The following is an entry in ClinVar:

ClinVar aggregate classification (germline): Benign. Review status: criteria provided, multiple submitters, no conflicts (2 of 4 stars). 2 submissions from 2 submitters: Benign (2). Last evaluated 2026-01-27.

Allele frequency attached by ClinVar (database versions not stated): gnomAD exomes 0.00118 and 0.00303; ExAC 0.00394; gnomAD 0.01130 and 0.01214; TOPMed 0.01251; ESP Exome Variant Server 0.01261; 1000 Genomes Project 0.01577; 1000 Genomes Project 30x 0.01718.
gnomAD v4.1: 3,514 of 1,607,100 alleles (0.22%); highest among the groups gnomAD compares: African/African-American, 4%; 52 homozygotes.

Submissions (2):

Labcorp Genetics (formerly Invitae), Labcorp
Classification: Benign. Last evaluated: 2026-01-27. Review status: criteria provided, single submitter. Criteria: Invitae Variant Classification Sherloc (09022015). Collection method: clinical testing. Allele origin: germline.

GeneDx
Classification: Benign. Last evaluated: 2014-02-09. Review status: criteria provided, single submitter. Criteria: GeneDx Variant Classification (06012015). Collection method: clinical testing. Allele origin: germline. Affected: yes.
Comment: This variant is considered likely benign or benign based on one or more of the following criteria: it is a conservative change, it occurs at a poorly conserved position in the protein, it is predicted to be benign by multiple in silico algorithms, and/or has population frequency not consistent with disease.

NM_004544.4(NDUFA10):c.245-19C>T

Gene: NDUFA10 (NADH:ubiquinone oxidoreductase subunit A10; minus strand). Cytogenetic location: 2q37.3.
Variant type: single nucleotide variant.
Coding change: c.245-19C>T on transcript NM_004544.4 (MANE Select); 19 bases into the intron before coding-DNA position 245, C replaced by T.
Molecular consequence: intron variant.
Genome position (GRCh38, 1-based): chr2:240,021,431, G>A on the plus strand (C>T on the coding strand, the complement: NDUFA10 is on the minus strand). VCF-style: chr2-240021431-G-A. GRCh37 (hg19) VCF-style: chr2-240960848-G-A.
Other names: c.245-19C>T (NM_001322020.2, NM_001322019.2).
Identifiers: ClinVar variation 138439 (VCV000138439.9), dbSNP rs115884837, ClinGen allele CA292424.